The following is an entry in ClinVar:

ClinVar aggregate classification (germline): Pathogenic. Review status: criteria provided, multiple submitters, no conflicts (2 of 4 stars). 3 submissions from 2 submitters: Pathogenic (3). Last evaluated 2022-02-01.

Conditions:
Intellectual disability, autosomal dominant 14 (CSS2). Also called: COFFIN-SIRIS SYNDROME 2. Identifiers: Orphanet 1465, MedGen C3553247, MONDO:0013819, OMIM 614607.
ARID1A-related BAFopathy.

Submissions (3):

Daryl Scott Lab, Baylor College of Medicine
Classification: Pathogenic for Intellectual disability, autosomal dominant 14. Last evaluated: 2022-02-01. Review status: criteria provided, single submitter. Criteria: ACMG Guidelines, 2015. Collection method: clinical testing. Allele origin: unknown. Affected: yes. Observed: 1 variant allele.

Baylor Genetics
Classification: Pathogenic for ARID1A-related BAFopathy. Last evaluated: 2021-06-10. Review status: criteria provided, single submitter. Criteria: ACMG Guidelines, 2015. Collection method: clinical testing. Allele origin: unknown. Affected: yes.

Baylor Genetics
Classification: Pathogenic for Intellectual disability, autosomal dominant 14. Last evaluated: 2017-09-01. Review status: criteria provided, single submitter. Criteria: ACMG Guidelines, 2015. Collection method: clinical testing. Allele origin: germline. Inheritance: Autosomal dominant inheritance. Affected: yes.
Comment: This frameshift mutation is categorized as deleterious according to ACMG guidelines (PMID:18414213).

Literature cited by the submitters: PubMed 36474027 (cited by Daryl Scott Lab, Baylor College of Medicine); PubMed 25326635 (cited by Baylor Genetics).

NM_006015.6(ARID1A):c.6134_6138del (p.Lys2045fs)

Gene: ARID1A (AT-rich interaction domain 1A; plus strand). Cytogenetic location: 1p36.11.
Variant type: Deletion.
Coding change: c.6134_6138del on transcript NM_006015.6 (MANE Select); coding-DNA positions 6134 to 6138, 5 bases deleted (AAGTG; older notation c.6134_6138delAAGTG).
Protein change: p.Lys2045fs; shifts the reading frame from lysine 2045.
Molecular consequence: frameshift variant.
Genome position (GRCh38, 1-based): chr1:26,780,032-26,780,036, AAGTG deleted. VCF-style (leftmost placement, unchanged base first): chr1-26780031-AAAGTG-A. GRCh37 (hg19) VCF-style: chr1-27106522-AAAGTG-A.
Other names: c.6134_6138del (LRG_875t1); c.5483_5487del, p.Lys1828fs (NM_139135.4); short protein forms K1828fs, K2045fs.
Identifiers: ClinVar variation 560947 (VCV000560947.4), dbSNP rs1557620758, ClinGen allele CA658821000.
Genomic context (GRCh38, chr1:26,780,031, plus strand): 5'-AAGCAGGCACCACTAACTTATGAAAAGGAGGAGGAACAGGACCAAGGGGTGAGCTGCAAC[AAAGTG>A]GAGTGGTGGTGGGACTGCTTGGAGATGCTCCGGGAAAACACCTTGGTTACACTCGCCAAC-3'